The following is an entry in ClinVar:

NC_000022.10:g.(?_18900688)_(18923800_?)del

Gene: PRODH (proline dehydrogenase 1; minus strand). Cytogenetic location: 22q11.21.
Variant type: Deletion.
Identifiers: ClinVar variation 3247249 (VCV003247249.1).

ClinVar aggregate classification (germline): Pathogenic (1 of 4 stars; one submission).

Conditions:
Proline dehydrogenase deficiency (HYRPRO1). Also called: Hyperprolinemia type 1; PROLINE OXIDASE DEFICIENCY. Identifiers: Orphanet 419, MedGen C0268529, MONDO:0009400, OMIM 239500.

Submission:

Labcorp Genetics (formerly Invitae), Labcorp
Classification: Pathogenic for Proline dehydrogenase deficiency. Last evaluated: 2024-01-18. Review status: criteria provided, single submitter. Criteria: Invitae Variant Classification Sherloc (09022015). Collection method: clinical testing. Allele origin: unknown.
Comment: A gross deletion of the genomic region encompassing the full coding sequence of the PRODH gene has been identified. Loss-of-function variants in PRODH are known to be pathogenic (PMID: 12525555, 15662599, 19736351). The boundaries of this event are unknown as they extend beyond the assayed region for this gene and therefore may encompass additional genes. A similar copy number variant has been observed in individual(s) with hyperprolinemia and schizophrenia (PMID: 12217952). It has also been observed to segregate with disease in related individuals. For these reasons, this variant has been classified as Pathogenic.

Literature cited by the submitters: PubMed 12525555; PubMed 15662599; PubMed 19736351; PubMed 12217952.